The following is an entry in ClinVar:

NM_213649.2(SFXN4):c.818+4A>G

Gene: SFXN4 (sideroflexin 4; minus strand). Cytogenetic location: 10q26.11.
Variant type: single nucleotide variant.
Coding change: c.818+4A>G on transcript NM_213649.2 (MANE Select); 4 bases into the intron after coding-DNA position 818, A replaced by G.
Molecular consequence: intron variant.
Genome position (GRCh38, 1-based): chr10:119,147,771, T>C on the plus strand (A>G on the coding strand, the complement: SFXN4 is on the minus strand). VCF-style: chr10-119147771-T-C. GRCh37 (hg19) VCF-style: chr10-120907283-T-C.
Other names: NC_000010.10:g.120907283T>C.
Identifiers: ClinVar variation 2505055 (VCV002505055.2), dbSNP rs775268101, ClinGen allele CA5714386.

ClinVar aggregate classification (germline): Uncertain significance (1 of 4 stars; one submission).

Allele frequency attached by ClinVar (database versions not stated): gnomAD exomes below 0.00001; ExAC 0.00001; TOPMed 0.00002.

Submissions (2):

GeneDx
Classification: Uncertain significance. Last evaluated: 2022-12-08. Review status: criteria provided, single submitter. Criteria: GeneDx Variant Classification Process June 2021. Collection method: clinical testing. Allele origin: germline. Affected: yes.
Comment: Not observed at significant frequency in large population cohorts (gnomAD); In silico analysis supports that this variant does not alter splicing; Has not been previously published as pathogenic or benign to our knowledge

Dr. Peter K. Rogan Lab, Western University
No classification provided (evidence only). Condition: Adrenocortical carcinoma, hereditary. Review status: no classification provided. Collection method: in vitro. Allele origin: not applicable. Functional consequence: skipped exon, retained intron. Not counted in ClinVar's aggregate classification.